The following is an entry in ClinVar:

ClinVar aggregate classification (germline): Likely benign. Review status: reviewed by expert panel (3 of 4 stars). 5 submissions from 5 submitters: Likely benign (1). 4 of the submissions do not count toward it. Last evaluated 2026-06-23.

Conditions:
Early-infantile DEE. Also called: Ohtahara syndrome; Early infantile epileptic encephalopathy; Early infantile epileptic encephalopathy with suppression bursts. Identifiers: Orphanet 1934, MedGen C0393706, MONDO:0800491.
Inborn genetic diseases. Identifiers: MedGen C0950123, MeSH D030342.
Severe myoclonic epilepsy in infancy (DRVT). Also called: Dravet syndrome; Epileptic encephalopathy, early infantile, 6 (Dravet syndrome); SEVERE MYOCLONIC EPILEPSY OF INFANCY; DEVELOPMENTAL AND EPILEPTIC ENCEPHALOPATHY 6A; Severe Myoclonic Epilepsy in Infancy (SMEI). Identifiers: Orphanet 33069, MedGen C0751122, MONDO:0100135, OMIM 607208.

Allele frequency attached by ClinVar (database versions not stated): gnomAD exomes 0.00001.
gnomAD v4.1: 11 of 1,614,108 alleles (0.00068%); highest among the groups gnomAD compares: Non-Finnish European, 0.00093%; no homozygotes.

Submissions (5):

ClinGen Epilepsy Sodium Channel Variant Curation Expert Panel, Clingen
Classification: Likely benign for Severe myoclonic epilepsy in infancy. Last evaluated: 2026-06-23. Review status: reviewed by expert panel. Criteria: ClinGen EpilepsySCN ACMG Specifications SCN1A V2.0.0. Collection method: curation. Allele origin: germline. Inheritance: Autosomal dominant inheritance.
Comment: The c.2722G>A variant in SCN1A is a missense variant predicted to cause substitution of Glycine by Serine at amino acid 908 (p.Gly908Ser). This variant has been reported in multiple probands meeting Dravet syndrome or developmental and epileptic encephalopathy. However, PS4 cannot be applied because of its frequency in gnomAD (PMID 39202364 & 37524782, Internal lab contributors). This variant has been observed in 7 heterozygous individuals with no features or family history of Dravet syndrome or developmental and epileptic encephalopathy, conditions with full penetrance at an early age (BS2; internal lab contributors). The highest population minor allele frequency in gnomAD v4 is 0.0009322% (11/1180012 alleles) in European (non-Finnish) population, which is higher than the ClinGen Epilepsy Sodium Channel VCEP threshold (>0.0004%) for BS1, and therefore meets this criterion (BS1). The computational predictor REVEL gives a score of 0.978, which is above the threshold of 0.644, evidence that correlates with impact to SCN1A function (PP3_Moderate). This variant resides within a Pathogenic Enriched Region, amino acids 904-912, of SCN1A that is defined as a mutational hotspot and/or critical functional domain by the ClinGen Epilepsy Sodium Channel VCEP (PM1). Another missense variant c.2722G>C (p.Gly908Arg) (ClinVar Variation ID 206786) in the same codon of SCN1A has been classified as likely pathogenic for Dravet syndrome by the ClinGen Epilepsy Sodium Channel VCEP (PM5_Supporting). Another missense variants in the same codon of a paralogous gene have been classified as likely pathogenic by the ClinGen Epilepsy Sodium Channel VCEP: SCN2A:c.2696G>A (p.Gly899Asp) (ClinVar Variation ID 206975). The same amino acid change in paralogous genes has been reported: SCN2A:c.2695G>A (p.Gly899Ser), SCN3A:c.2698G>A (p.Gly900Ser)(ClinVar Variation IDs 206974, 661395). However, these variants have not yet met the criteria to be classified as pathogenic or likely pathogenic by the ClinGen Epileps Sodium Channel VCEP. In summary, this variant meets the criteria to be classified as likely benign for autosomal dominant Dravet syndrome based on the ACMG/AMP criteria applied, as specified by the ClinGen Epilepsy Sodium Channel VCEP: BS1, BS2, PP3_Moderate, PM1, PM5_Supporting (VCEP specifications v2.0.0; July 22, 2026)

Labcorp Genetics (formerly Invitae), Labcorp
Classification: Uncertain significance for Early-infantile DEE. Last evaluated: 2026-01-13. Review status: criteria provided, single submitter. Criteria: Invitae Variant Classification Sherloc (09022015). Collection method: clinical testing. Allele origin: germline. Not counted in ClinVar's aggregate classification.
Comment: This sequence change replaces glycine, which is neutral and non-polar, with serine, which is neutral and polar, at codon 908 of the SCN1A protein (p.Gly908Ser). This variant is not present in population databases (gnomAD no frequency). This missense change has been observed in individual(s) with febrile seizures and/or generalized epilepsy with febrile seizures, plus (PMID: 29655203, 39202364; internal data). ClinVar contains an entry for this variant (Variation ID: 1695472). Invitae Evidence Modeling of protein sequence and biophysical properties (such as structural, functional, and spatial information, amino acid conservation, physicochemical variation, residue mobility, and thermodynamic stability) indicates that this missense variant is expected to disrupt SCN1A protein function with a positive predictive value of 95%. In summary, the available evidence is currently insufficient to determine the role of this variant in disease. Therefore, it has been classified as a Variant of Uncertain Significance.

Victorian Clinical Genetics Services, Murdoch Childrens Research Institute
Classification: Uncertain significance for Severe myoclonic epilepsy in infancy. Last evaluated: 2024-10-08. Review status: criteria provided, single submitter. Criteria: ACMG Guidelines, 2015. Collection method: clinical testing. Allele origin: germline. Inheritance: Autosomal dominant inheritance. Affected: yes. Not counted in ClinVar's aggregate classification.
Comment: Based on the classification scheme VCGS_Germline_v1.3.4, this variant is classified as VUS-3B. Following criteria are met: 0103 - Loss of function and gain of function are known mechanisms of disease in this gene and are associated with SCN1A-related epilepsy (PMID: 28488083). (I) 0107 - This gene is associated with autosomal dominant disease. (I) 0112 - The condition associated with this gene has incomplete penetrance (PMID: 20301494). (I) 0115 - Variants in this gene are known to have variable expressivity. Inter-familial and intra-familial variable expressivity has been observed (PMID: 20301494). (I) 0200 - Variant is predicted to result in a missense amino acid change from glycine to serine. (I) 0251 - This variant is heterozygous. (I) 0301 - Variant is absent from gnomAD (both v2 and v3). (SP) 0501 - Missense variant consistently predicted to be damaging by multiple in silico tools or highly conserved with a major amino acid change. (SP) 0600 - Variant is located in the annotated on transport protein domain (DECIPHER). (I) 0704 - Another missense variant comparable to the one identified in this case has limited previous evidence for pathogenicity. p.(Gly908Arg) has been classified as likely pathogenic in ClinVar and has been observed in an individual with epilepsy and/or neurodevelopmental disorder (PMID: 29655203). (SP) 0809 - Previous evidence of pathogenicity for this variant is inconclusive. This variant has been classified as a VUS in ClinVar, having been observed in at least five reportedly unaffected parents, as well as heterozygous individuals with autism, developmental delay, and/or neurodevelopmental delay (GeneDx personal communication). This variant has also been observed in an individual with Dravat syndrome (PMID: 37524782). (I) 0905 - No published segregation evidence has been identified for this variant. (I) 1007 - No published functional evidence has been identified for this variant. (I) Legend: (SP) - Supporting pathogenic, (I) - Information, (SB) - Supporting benign

GeneDx
Classification: Uncertain significance. Last evaluated: 2023-07-24. Review status: criteria provided, single submitter. Criteria: GeneDx Variant Classification Process June 2021. Collection method: clinical testing. Allele origin: germline. Affected: yes. Not counted in ClinVar's aggregate classification.
Comment: Missense variants in this gene are often considered pathogenic (HGMD); In silico analysis supports that this missense variant has a deleterious effect on protein structure/function; This substitution is predicted to be within the extracellular loop between the S5 and S6 transmembrane segments of the second homologous domain.; Not observed in gnomAD (gnomAD); however, observed in multiple reportedly unaffected individuals referred for genetic testing at GeneDx; Has not been previously published as pathogenic or benign to our knowledge

Ambry Genetics
Classification: Uncertain significance for Inborn genetic diseases. Last evaluated: 2018-01-09. Review status: criteria provided, single submitter. Criteria: Ambry Variant Classification Scheme 2023. Collection method: clinical testing. Allele origin: germline. Not counted in ClinVar's aggregate classification.
Comment: The p.G908S variant (also known as c.2722G>A), located in coding exon 15 of the SCN1A gene, results from a G to A substitution at nucleotide position 2722. The glycine at codon 908 is replaced by serine, an amino acid with similar properties. This amino acid position is highly conserved in available vertebrate species. In addition, this alteration is predicted to be deleterious by in silico analysis. Since supporting evidence is limited at this time, the clinical significance of this alteration remains unclear.

Literature cited by the submitters: PubMed 29655203 (cited by Labcorp Genetics (formerly Invitae), Labcorp and Victorian Clinical Genetics Services, Murdoch Childrens Research Institute); PubMed 39202364 (cited by Labcorp Genetics (formerly Invitae), Labcorp); PubMed 20301494 (cited by Victorian Clinical Genetics Services, Murdoch Childrens Research Institute); PubMed 28488083 (cited by Victorian Clinical Genetics Services, Murdoch Childrens Research Institute); PubMed 37524782 (cited by Victorian Clinical Genetics Services, Murdoch Childrens Research Institute).

NM_001165963.4(SCN1A):c.2722G>A (p.Gly908Ser)

Gene: SCN1A (sodium voltage-gated channel alpha subunit 1; minus strand). Cytogenetic location: 2q24.3.
Variant type: single nucleotide variant.
Coding change: c.2722G>A on transcript NM_001165963.4 (MANE Select); coding-DNA position 2722, G replaced by A.
Protein change: p.Gly908Ser; replaces glycine 908 with serine.
Molecular consequence: missense variant. On other transcripts: non-coding transcript variant (1).
Genome position (GRCh38, 1-based): chr2:166,038,000, C>T on the plus strand (G>A on the coding strand, the complement: SCN1A is on the minus strand). VCF-style: chr2-166038000-C-T. GRCh37 (hg19) VCF-style: chr2-166894510-C-T.
Other names: NM_001165963.4(SCN1A):c.2722G>A; p.Gly908Ser; c.2722G>A (NM_001165963.2); c.2638G>A, p.Gly880Ser (NM_001165964.3, NM_001353957.2, NM_001353958.2); c.2722G>A, p.Gly908Ser (NM_001202435.3, NM_001353948.2); c.2689G>A, p.Gly897Ser (NM_001353949.2, NM_001353950.2, NM_001353951.2 and 2 more transcripts); c.2686G>A, p.Gly896Ser (NM_001353954.2, NM_001353955.2); c.2635G>A, p.Gly879Ser (NM_001353960.2); and 1 more; short protein forms G879S, G880S, G896S, G897S, G908S, G94S.
Identifiers: ClinVar variation 1695472 (VCV001695472.12), dbSNP rs796052984, ClinGen allele CA59788926.